The following is an entry in ClinVar:

ClinVar aggregate classification (germline): Conflicting classifications of pathogenicity. Review status: criteria provided, conflicting classifications (1 of 4 stars). 6 submissions from 6 submitters: Likely pathogenic (3); Uncertain significance (3). Last evaluated 2026-05-26.

Conditions:
Familial hemophagocytic lymphohistiocytosis 2 (FHL2). Also called: PRF1-Related Familial Hemophagocytic Lymphohistiocytosis (PRF1-fHLH). Identifiers: Orphanet 540, MedGen C1863727, MONDO:0011337, OMIM 603553.
Aplastic anemia. Identifiers: Orphanet 182040, Orphanet 88, MedGen C0002874, MONDO:0015909, OMIM 609135, HP:0001915.
PRF1-related disorder. Also called: PRF1-related condition.

Allele frequency attached by ClinVar (database versions not stated): gnomAD exomes below 0.00001 and 0.00001; ExAC 0.00001; gnomAD 0.00001; TOPMed 0.00003.
gnomAD v4.1: 11 of 1,613,724 alleles (0.00068%); highest among the groups gnomAD compares: South Asian, 0.0022%; no homozygotes.

Submissions (6):

Myriad Genetics, Inc.
Classification: Uncertain significance for Familial hemophagocytic lymphohistiocytosis 2. Last evaluated: 2026-05-26. Review status: criteria provided, single submitter. Criteria: Myriad Autosomal Dominant, Autosomal Recessive and X-Linked Classification Criteria (2023). Collection method: clinical testing. Allele origin: unknown.
Comment: NM_001083116.1(PRF1):c.227G>A(C76Y) is a missense variant classified as a variant of uncertain significance in the context of familial hemophagocytic lymphohistiocytosis, PRF1-related. C76Y has been observed in cases with relevant disease (PMID: 32542393). Relevant functional assessments of this variant are not available in the literature. C76Y has been observed in referenced population frequency databases. In summary, there is insufficient evidence to classify NM_001083116.1(PRF1):c.227G>A(C76Y) as pathogenic or benign. Please note: this variant was assessed in the context of healthy population screening.

Labcorp Genetics (formerly Invitae), Labcorp
Classification: Likely pathogenic for Familial hemophagocytic lymphohistiocytosis 2. Last evaluated: 2025-10-29. Review status: criteria provided, single submitter. Criteria: Invitae Variant Classification Sherloc (09022015). Collection method: clinical testing. Allele origin: germline.
Comment: This sequence change replaces cysteine, which is neutral and slightly polar, with tyrosine, which is neutral and polar, at codon 76 of the PRF1 protein (p.Cys76Tyr). This variant is present in population databases (rs776657932, gnomAD 0.003%). This missense change has been observed in individual(s) with hemophagocytic lymphohistiocytosis (PMID: 32542393). ClinVar contains an entry for this variant (Variation ID: 660362). Invitae Evidence Modeling of protein sequence and biophysical properties (such as structural, functional, and spatial information, amino acid conservation, physicochemical variation, residue mobility, and thermodynamic stability) indicates that this missense variant is expected to disrupt PRF1 protein function with a positive predictive value of 95%. In summary, the currently available evidence indicates that the variant is pathogenic, but additional data are needed to prove that conclusively. Therefore, this variant has been classified as Likely Pathogenic.

Genomic Medicine Center of Excellence, King Faisal Specialist Hospital and Research Centre
Classification: Likely pathogenic for Familial hemophagocytic lymphohistiocytosis 2. Last evaluated: 2025-09-10. Review status: criteria provided, single submitter. Criteria: ACMG Guidelines, 2015. Collection method: clinical testing. Allele origin: germline.

Baylor Genetics
Classification: Likely pathogenic for Aplastic anemia. Last evaluated: 2024-02-13. Review status: criteria provided, single submitter. Criteria: ACMG Guidelines, 2015. Collection method: clinical testing. Allele origin: unknown.

PreventionGenetics, part of Exact Sciences
Classification: Uncertain significance for PRF1-related condition. Last evaluated: 2023-08-08. Review status: criteria provided, single submitter. Criteria: ACMG Guidelines, 2015. Collection method: clinical testing. Allele origin: germline.
Comment: The PRF1 c.227G>A variant is predicted to result in the amino acid substitution p.Cys76Tyr. This variant was reported in multiple individuals with hemophagocytic lymphohistiocytosis (Gadoury-Levesque et al. 2020. PubMed ID: 32542393). This variant is reported in 0.0033% of alleles in individuals of South Asian descent in gnomAD. Although we suspect that this variant may be pathogenic, at this time, the clinical significance of this variant is uncertain due to the absence of conclusive functional and genetic evidence.

Genetic Services Laboratory, University of Chicago
Classification: Uncertain significance. Last evaluated: 2020-12-14. Review status: criteria provided, single submitter. Criteria: ACMG Guidelines, 2015. Collection method: clinical testing. Allele origin: germline. Affected: no.
Comment: DNA sequence analysis of the PRF1 gene demonstrated a sequence change, c.227G>A, in exon 2 that results in an amino acid change, p.Cys76Tyr. This sequence change does not appear to have been previously described in individuals with PRF1-related disorders and has been described in the gnomAD database in two individuals with an overall population frequency of 0.0007% (dbSNP rs776657932). The p.Cys76Tyr change affects a highly conserved amino acid residue located in a domain of the PRF1 protein that is not known to be functional. The p.Cys76Tyr substitution appears to be deleterious using several in-silico pathogenicity prediction tools (SIFT, PolyPhen2, Align GVGD, REVEL). Due to these contrasting evidences and the lack of functional studies, the clinical significance of the p.Cys76Tyr change remains unknown at this time.

Literature cited by the submitters: PubMed 32542393 (cited by Myriad Genetics, Inc. and Labcorp Genetics (formerly Invitae), Labcorp).

NM_001083116.3(PRF1):c.227G>A (p.Cys76Tyr)

Gene: PRF1 (perforin 1; minus strand). Cytogenetic location: 10q22.1.
Variant type: single nucleotide variant.
Coding change: c.227G>A on transcript NM_001083116.3 (MANE Select); coding-DNA position 227, G replaced by A.
Protein change: p.Cys76Tyr; replaces cysteine 76 with tyrosine.
Molecular consequence: missense variant.
Genome position (GRCh38, 1-based): chr10:70,600,676, C>T on the plus strand (G>A on the coding strand, the complement: PRF1 is on the minus strand). VCF-style: chr10-70600676-C-T. GRCh37 (hg19) VCF-style: chr10-72360432-C-T.
Other names: c.227G>A, p.Cys76Tyr (NM_005041.6); c.227G>A (NM_005041.5); short protein forms C76Y.
Identifiers: ClinVar variation 660362 (VCV000660362.15), dbSNP rs776657932, ClinGen allele CA5539093.